The following is an entry in ClinVar:

NM_000719.7(CACNA1C):c.2197T>C (p.Phe733Leu)

Gene: CACNA1C (calcium voltage-gated channel subunit alpha1 C; plus strand). Cytogenetic location: 12p13.33.
Variant type: single nucleotide variant.
Coding change: c.2197T>C on transcript NM_000719.7 (MANE Select); coding-DNA position 2197, T replaced by C.
Protein change: p.Phe733Leu; replaces phenylalanine 733 with leucine.
Molecular consequence: missense variant.
Genome position (GRCh38, 1-based): chr12:2,582,915, T>C. VCF-style: chr12-2582915-T-C. GRCh37 (hg19) VCF-style: chr12-2692081-T-C.
Other names: c.2197T>C, p.Phe733Leu (NM_001129827.2, NM_001129829.2, NM_001129830.3 and 18 more transcripts); c.2188T>C, p.Phe730Leu (NM_001129844.2); short protein forms F730L, F733L.
Identifiers: ClinVar variation 3900790 (VCV003900790.1).

ClinVar aggregate classification (germline): Uncertain significance (1 of 4 stars; one submission).

Submission:

GeneDx
Classification: Uncertain significance. Last evaluated: 2024-12-02. Review status: criteria provided, single submitter. Criteria: GeneDx Variant Classification Process June 2021. Collection method: clinical testing. Allele origin: germline. Affected: yes.
Comment: Not observed at significant frequency in large population cohorts (gnomAD); In silico analysis supports that this missense variant has a deleterious effect on protein structure/function; Has not been previously published as pathogenic or benign to our knowledge